The following is an entry in ClinVar:

ClinVar aggregate classification (germline): Uncertain significance (1 of 4 stars; one submission).

Allele frequency attached by ClinVar (database versions not stated): ExAC 0.00001; TOPMed 0.00001; 1000 Genomes Project 30x 0.00016; 1000 Genomes Project 0.00020.
gnomAD v4.1: 20 of 1,613,182 alleles (0.0012%); highest among the groups gnomAD compares: Admixed American, 0.0017%; no homozygotes.

Submission:

Labcorp Genetics (formerly Invitae), Labcorp
Classification: Uncertain significance. Last evaluated: 2023-02-14. Review status: criteria provided, single submitter. Criteria: Invitae Variant Classification Sherloc (09022015). Collection method: clinical testing. Allele origin: germline.
Comment: In summary, the available evidence is currently insufficient to determine the role of this variant in disease. Therefore, it has been classified as a Variant of Uncertain Significance. Advanced modeling of protein sequence and biophysical properties (such as structural, functional, and spatial information, amino acid conservation, physicochemical variation, residue mobility, and thermodynamic stability) performed at Invitae indicates that this missense variant is not expected to disrupt DEAF1 protein function. This variant has not been reported in the literature in individuals affected with DEAF1-related conditions. This variant is present in population databases (rs532671271, gnomAD 0.003%). This sequence change replaces valine, which is neutral and non-polar, with methionine, which is neutral and non-polar, at codon 555 of the DEAF1 protein (p.Val555Met).

NM_021008.4(DEAF1):c.1663G>A (p.Val555Met)

Gene: DEAF1 (DEAF1 transcription factor; minus strand). Cytogenetic location: 11p15.5.
Variant type: single nucleotide variant.
Coding change: c.1663G>A on transcript NM_021008.4 (MANE Select); coding-DNA position 1663, G replaced by A.
Protein change: p.Val555Met; replaces valine 555 with methionine.
Molecular consequence: missense variant.
Genome position (GRCh38, 1-based): chr11:644,585, C>T on the plus strand (G>A on the coding strand, the complement: DEAF1 is on the minus strand). VCF-style: chr11-644585-C-T. GRCh37 (hg19) VCF-style: chr11-644585-C-T.
Other names: c.1438G>A, p.Val480Met (NM_001293634.2); c.937G>A, p.Val313Met (NM_001367390.1); short protein forms V313M, V480M, V555M.
Identifiers: ClinVar variation 2913006 (VCV002913006.3), dbSNP rs532671271, ClinGen allele CA5786092.